The following is an entry in ClinVar:

NM_000478.6(ALPL):c.773G>A (p.Ser258Asn)

Gene: ALPL (alkaline phosphatase, biomineralization associated; plus strand). Cytogenetic location: 1p36.12.
Variant type: single nucleotide variant.
Coding change: c.773G>A on transcript NM_000478.6 (MANE Select); coding-DNA position 773, G replaced by A.
Protein change: p.Ser258Asn; replaces serine 258 with asparagine.
Molecular consequence: missense variant.
Genome position (GRCh38, 1-based): chr1:21,568,228, G>A. VCF-style: chr1-21568228-G-A. GRCh37 (hg19) VCF-style: chr1-21894721-G-A.
Other names: c.608G>A, p.Ser203Asn (NM_001127501.4); c.542G>A, p.Ser181Asn (NM_001177520.3); c.773G>A, p.Ser258Asn (NM_001369803.2, NM_001369804.2, NM_001369805.2); short protein forms S181N, S258N, S203N.
Identifiers: ClinVar variation 1896719 (VCV001896719.5), dbSNP rs764197078, ClinGen allele CA666599.

ClinVar aggregate classification (germline): Uncertain significance (1 of 4 stars; one submission).

Allele frequency attached by ClinVar (database versions not stated): gnomAD exomes below 0.00001; TOPMed below 0.00001; ExAC 0.00001; gnomAD 0.00001.

Submission:

Labcorp Genetics (formerly Invitae), Labcorp
Classification: Uncertain significance. Last evaluated: 2022-08-08. Review status: criteria provided, single submitter. Criteria: Invitae Variant Classification Sherloc (09022015). Collection method: clinical testing. Allele origin: germline.
Comment: This variant is present in population databases (rs764197078, gnomAD 0.002%). In summary, the available evidence is currently insufficient to determine the role of this variant in disease. Therefore, it has been classified as a Variant of Uncertain Significance. Advanced modeling of protein sequence and biophysical properties (such as structural, functional, and spatial information, amino acid conservation, physicochemical variation, residue mobility, and thermodynamic stability) performed at Invitae indicates that this missense variant is not expected to disrupt ALPL protein function. This variant has not been reported in the literature in individuals affected with ALPL-related conditions. This sequence change replaces serine, which is neutral and polar, with asparagine, which is neutral and polar, at codon 258 of the ALPL protein (p.Ser258Asn).